The following is an entry in ClinVar:

NM_001127453.2(GSDME):c.405-15G>A

Gene: GSDME (gasdermin E; minus strand). Cytogenetic location: 7p15.3.
Variant type: single nucleotide variant.
Coding change: c.405-15G>A on transcript NM_001127453.2 (MANE Select); 15 bases into the intron before coding-DNA position 405, G replaced by A.
Molecular consequence: intron variant.
Genome position (GRCh38, 1-based): chr7:24,719,233, C>T on the plus strand (G>A on the coding strand, the complement: GSDME is on the minus strand). VCF-style: chr7-24719233-C-T. GRCh37 (hg19) VCF-style: chr7-24758852-C-T.
Other names: c.-88-15G>A (NM_001127454.2); c.405-15G>A (NM_004403.3).
Identifiers: ClinVar variation 44842 (VCV000044842.21), dbSNP rs754553, ClinGen allele CA135161.

ClinVar aggregate classification (germline): Benign. Review status: criteria provided, multiple submitters, no conflicts (2 of 4 stars). 5 submissions from 5 submitters: Benign (5). Last evaluated 2026-02-03.

Conditions:
Autosomal dominant nonsyndromic hearing loss 5. Identifiers: Orphanet 90635, MedGen C1832932, MONDO:0010973, OMIM 600994.

Allele frequency attached by ClinVar (database versions not stated): ESP Exome Variant Server 0.16569; TOPMed 0.17942; gnomAD 0.18061; 1000 Genomes Project 30x 0.25359; 1000 Genomes Project 0.25978.
gnomAD v4.1: 274,103 of 1,598,224 alleles (17%); highest among the groups gnomAD compares: East Asian, 44%; 27,573 homozygotes.

Submissions (5):

Labcorp Genetics (formerly Invitae), Labcorp
Classification: Benign. Last evaluated: 2026-02-03. Review status: criteria provided, single submitter. Criteria: Invitae Variant Classification Sherloc (09022015). Collection method: clinical testing. Allele origin: germline.

Genome-Nilou Lab
Classification: Benign for Autosomal dominant nonsyndromic hearing loss 5. Last evaluated: 2021-07-30. Review status: criteria provided, single submitter. Criteria: ACMG Guidelines, 2015. Collection method: clinical testing. Allele origin: germline. Affected: no.

GeneDx
Classification: Benign. Last evaluated: 2018-06-24. Review status: criteria provided, single submitter. Criteria: GeneDx Variant Classification Process June 2021. Collection method: clinical testing. Allele origin: germline. Affected: yes.

Illumina Laboratory Services, Illumina
Classification: Benign for Autosomal dominant nonsyndromic hearing loss 5. Last evaluated: 2018-01-12. Review status: criteria provided, single submitter. Criteria: ICSL Variant Classification Criteria 13 December 2019. Collection method: clinical testing. Allele origin: germline.
Comment: This variant was observed in the ICSL laboratory as part of a predisposition screen in an ostensibly healthy population. It had not been previously curated by ICSL or reported in the Human Gene Mutation Database (HGMD: prior to June 1st, 2018), and was therefore a candidate for classification through an automated scoring system. Utilizing variant allele frequency, disease prevalence and penetrance estimates, and inheritance mode, an automated score was calculated to assess if this variant is too frequent to cause the disease. Based on the score and internal cut-off values, a variant classified as benign is not then subjected to further curation. The score for this variant resulted in a classification of benign for this disease.

Laboratory for Molecular Medicine, Mass General Brigham Personalized Medicine
Classification: Benign. Last evaluated: 2012-05-07. Review status: criteria provided, single submitter. Criteria: LMM Criteria. Collection method: clinical testing. Allele origin: germline. Observed: 462 variant alleles.
Comment: 405-15G>A in Intron 03 of DFNA5: This variant is not expected to have clinical s ignificance because it has been identified in 21.1% (788/3738) of African Americ an chromosomes from a broad population by the NHLBI Exome Sequencing Project (dbSNP rs754553).